The following is an entry in ClinVar:

NM_000368.5(TSC1):c.2626-5_2626-4del

Gene: TSC1 (TSC complex subunit 1; minus strand). Cytogenetic location: 9q34.13.
Variant type: Deletion.
Coding change: c.2626-5_2626-4del on transcript NM_000368.5 (MANE Select); 5 bases into the intron before coding-DNA position 2626 through 4 bases into the intron before coding-DNA position 2626, 2 bases deleted (TT; older notation c.2626-5_2626-4delTT).
Molecular consequence: intron variant.
Genome position (GRCh38, 1-based): chr9:132,897,614-132,897,615, AA deleted on the plus strand (TT on the coding strand, the reverse complement: TSC1 is on the minus strand); deleting any 2 consecutive bases within chr9:132,897,614-132,897,631 gives the same sequence; the c. name uses the placement nearest the transcript's 3' end. VCF-style (leftmost placement, unchanged base first): chr9-132897613-GAA-G. GRCh37 (hg19) VCF-style: chr9-135773000-GAA-G.
Other names: p.?; c.2263-5_2263-4del (NM_001362177.2); c.2473-5_2473-4del (NM_001162427.2); c.2623-5_2623-4del (NM_001162426.2); c.2626-5_2626-4delTT (NM_000368.4, NM_000368.5).
Identifiers: ClinVar variation 195564 (VCV000195564.25), dbSNP rs5901000, ClinGen allele CA006754.
Genomic context (GRCh38, chr9:132,897,613, plus strand): 5'-CATGGCTTCTGTTTTTTTCTAGCTCTTTCCGATAGGCGGCTTTCATCATTTCTACTTCCT[GAA>G]AAAAAAAAAAAAAAAAGACTGGAATTAGTACTTATAAAAAATAAACATGCTGTATCCATT-3'

ClinVar aggregate classification (germline): Benign/Likely benign. Review status: criteria provided, multiple submitters, no conflicts (2 of 4 stars). 14 submissions from 14 submitters: Benign (10); Likely benign (2). 2 of the submissions do not count toward it. Last evaluated 2024-11-27.

Conditions:
Isolated focal cortical dysplasia type II (FCORD2). Also called: Focal cortical dysplasia type II; CORTICAL DYSPLASIA OF TAYLOR. Identifiers: Orphanet 268994, MedGen C1846385, MONDO:0011818, OMIM 607341, HP:0032051.
Tuberous sclerosis 1 (TSC1). Identifiers: Orphanet 805, MedGen C1854465, MONDO:0008612, OMIM 191100.
Lymphangiomyomatosis (LAM). Also called: Lymphangioleiomyomatosis; Lymphangioleiomyomatosis, somatic. Identifiers: Orphanet 538, MedGen C0751674, MONDO:0011705, OMIM 606690.
Hereditary cancer-predisposing syndrome. Also called: Tumor predisposition; Neoplastic Syndromes, Hereditary; Hereditary Cancer Syndrome; Hereditary neoplastic syndrome. Identifiers: Orphanet 140162, MedGen C0027672, MeSH D009386, MONDO:0015356.
Tuberous sclerosis syndrome (TSC). Also called: Tuberous sclerosis; Tuberous Sclerosis Complex. Identifiers: Orphanet 805, MedGen C0041341, MONDO:0001734.

Submissions (14):

Blueprint Genetics
Classification: Likely benign. Last evaluated: 2024-11-27. Review status: criteria provided, single submitter. Criteria: ACMG Guidelines, 2015. Collection method: clinical testing. Allele origin: germline.

Department of Pathology and Laboratory Medicine, Sinai Health System
Classification: Likely benign for Tuberous sclerosis 1; Lymphangiomyomatosis; Isolated focal cortical dysplasia type II. Last evaluated: 2024-06-21. Review status: criteria provided, single submitter. Criteria: ACMG Guidelines, 2015. Collection method: clinical testing. Allele origin: germline. Affected: yes.

All of Us Research Program, National Institutes of Health
Classification: Benign for Tuberous sclerosis syndrome. Last evaluated: 2024-02-05. Review status: criteria provided, single submitter. Criteria: ACMG Guidelines, 2015. Collection method: clinical testing. Allele origin: germline. Inheritance: Autosomal dominant inheritance. Observed: 15 variant alleles, 15 heterozygotes.
Comment: This study involves interpretation of variants in research participants for the purpose of population health screening. Participant phenotype was not available at the time of variant classification. Additional details can be found in publication PMID: 35346344, PMCID: PMC8962531

Mayo Clinic Laboratories, Mayo Clinic
Classification: Benign. Last evaluated: 2023-04-03. Review status: criteria provided, single submitter. Criteria: ACMG Guidelines, 2015. Collection method: clinical testing. Allele origin: germline. Observed: 94 variant alleles.

Molecular Genetics, Royal Melbourne Hospital
Classification: Benign for Lymphangiomyomatosis. Last evaluated: 2023-03-30. Review status: criteria provided, single submitter. Criteria: ACMG Guidelines, 2015. Collection method: clinical testing. Allele origin: germline. Affected: no.
Comment: Population allele frequency is 4.7% (rs118203716, 4,915/103,824 alleles in gnomAD v2.1). Based on classification scheme RMH ACMG Guidelines v1.1.1, this variant is classified as Benign. Following criteria are met: BA1.

Genome-Nilou Lab
Classification: Benign for Tuberous sclerosis 1. Last evaluated: 2021-11-07. Review status: criteria provided, single submitter. Criteria: ACMG Guidelines, 2015. Collection method: clinical testing. Allele origin: germline. Affected: no.

Fulgent Genetics
Classification: Benign for Tuberous sclerosis 1; Lymphangiomyomatosis; Isolated focal cortical dysplasia type II. Last evaluated: 2021-09-28. Review status: criteria provided, single submitter. Criteria: ACMG Guidelines, 2015. Collection method: clinical testing. Allele origin: unknown.

Ambry Genetics
Classification: Benign for Hereditary cancer-predisposing syndrome. Last evaluated: 2020-07-06. Review status: criteria provided, single submitter. Criteria: Ambry Variant Classification Scheme 2023. Collection method: clinical testing. Allele origin: germline.

Sema4
Classification: Benign for Hereditary cancer-predisposing syndrome. Last evaluated: 2020-05-20. Review status: criteria provided, single submitter. Criteria: Sema4 Curation Guidelines. Collection method: curation. Allele origin: germline.

GeneDx
Classification: Benign. Last evaluated: 2019-08-06. Review status: criteria provided, single submitter. Criteria: GeneDx Variant Classification Process June 2021. Collection method: clinical testing. Allele origin: germline. Affected: yes.

Labcorp Genetics (formerly Invitae), Labcorp
Classification: Benign for Tuberous sclerosis 1. Last evaluated: 2018-02-04. Review status: criteria provided, single submitter. Criteria: Invitae Variant Classification Sherloc (09022015). Collection method: clinical testing. Allele origin: germline.

Eurofins Ntd Llc (ga)
Classification: Benign. Last evaluated: 2015-04-23. Review status: criteria provided, single submitter. Criteria: EGL Classification Definitions 2015. Collection method: clinical testing. Allele origin: germline. Observed: 1 variant allele.

Clinical Genetics, Academic Medical Center
Classification: Benign. Review status: no assertion criteria provided. Collection method: clinical testing. Allele origin: germline. Affected: yes. Study: VKGL Data-share Consensus. Not counted in ClinVar's aggregate classification.

Diagnostic Laboratory, Department of Genetics, University Medical Center Groningen
Classification: Benign. Review status: no assertion criteria provided. Collection method: clinical testing. Allele origin: germline. Affected: yes. Study: VKGL Data-share Consensus. Not counted in ClinVar's aggregate classification.